The following is an entry in ClinVar:

NM_144631.6(ZNF513):c.1399A>G (p.Thr467Ala)

Genes: ZNF513 (zinc finger protein 513; minus strand), LOC129933376 (ATAC-STARR-seq lymphoblastoid active region 15506; plus strand). Cytogenetic location: 2p23.3.
Variant type: single nucleotide variant.
Coding change: c.1399A>G on transcript NM_144631.6 (MANE Select); coding-DNA position 1399, A replaced by G.
Protein change: p.Thr467Ala; replaces threonine 467 with alanine.
Molecular consequence: missense variant.
Genome position (GRCh38, 1-based): chr2:27,377,772, T>C on the plus strand (A>G on the coding strand, the complement: ZNF513 is on the minus strand). VCF-style: chr2-27377772-T-C. GRCh37 (hg19) VCF-style: chr2-27600639-T-C.
Other names: c.1213A>G, p.Thr405Ala (NM_001201459.2); short protein forms T405A, T467A.
Identifiers: ClinVar variation 837049 (VCV000837049.10), dbSNP rs1683403238, ClinGen allele CA346214515.

ClinVar aggregate classification (germline): Uncertain significance (1 of 4 stars; one submission).

Submission:

Labcorp Genetics (formerly Invitae), Labcorp
Classification: Uncertain significance. Last evaluated: 2023-08-17. Review status: criteria provided, single submitter. Criteria: Invitae Variant Classification Sherloc (09022015). Collection method: clinical testing. Allele origin: germline.
Comment: In summary, the available evidence is currently insufficient to determine the role of this variant in disease. Therefore, it has been classified as a Variant of Uncertain Significance. An algorithm developed to predict the effect of missense changes on protein structure and function (PolyPhen-2) suggests that this variant is likely to be disruptive. ClinVar contains an entry for this variant (Variation ID: 837049). This variant has not been reported in the literature in individuals affected with ZNF513-related conditions. This variant is not present in population databases (gnomAD no frequency). This sequence change replaces threonine, which is neutral and polar, with alanine, which is neutral and non-polar, at codon 467 of the ZNF513 protein (p.Thr467Ala).